The following is an entry in ClinVar:

ClinVar aggregate classification (germline): Conflicting classifications of pathogenicity. Review status: criteria provided, conflicting classifications (1 of 4 stars). 3 submissions from 3 submitters: Uncertain significance (2); Likely benign (1). Last evaluated 2025-07-09.

Conditions:
Hypokalemic periodic paralysis, type 1. Also called: Hypokalemic Periodic Paralysis Type 1 (AD); HypoPP. Identifiers: Orphanet 681, MedGen C3714580, MONDO:0042979, OMIM 170400.
Malignant hyperthermia, susceptibility to, 5 (MHS5). Also called: CACNA1S-Related Malignant Hyperthermia Susceptibility. Identifiers: Orphanet 423, MedGen C1866077, MONDO:0011163, OMIM 601887.
Thyrotoxic periodic paralysis, susceptibility to, 1 (TTPP1). Identifiers: Orphanet 79102, MedGen C2749982, MONDO:0008570, OMIM 188580.

gnomAD v4.1: 21 of 1,614,098 alleles (0.0013%); highest among the groups gnomAD compares: African/African-American, 0.025%; no homozygotes.

Submissions (3):

Labcorp Genetics (formerly Invitae), Labcorp
Classification: Likely benign for Hypokalemic periodic paralysis, type 1; Malignant hyperthermia, susceptibility to, 5. Last evaluated: 2025-07-09. Review status: criteria provided, single submitter. Criteria: Invitae Variant Classification Sherloc (09022015). Collection method: clinical testing. Allele origin: germline.

Color Diagnostics, LLC DBA Color Health
Classification: Uncertain significance for Malignant hyperthermia, susceptibility to, 5. Last evaluated: 2024-01-30. Review status: criteria provided, single submitter. Criteria: ACMG Guidelines, 2015. Collection method: clinical testing. Allele origin: germline.
Comment: This missense variant replaces arginine with leucine at codon 594 of the CACNA1S protein. Computational prediction suggests that this variant may have deleterious impact on protein structure and function. To our knowledge, functional studies have not been reported for this variant. This variant has not been reported in individuals affected with CACNA1S-related disorders in the literature. This variant has been identified in 8/282896 chromosomes in the general population by the Genome Aggregation Database (gnomAD). The available evidence is insufficient to determine the role of this variant in disease conclusively. Therefore, this variant is classified as a Variant of Uncertain Significance.

Fulgent Genetics
Classification: Uncertain significance for Hypokalemic periodic paralysis, type 1; Thyrotoxic periodic paralysis, susceptibility to, 1; Malignant hyperthermia, susceptibility to, 5. Last evaluated: 2022-02-11. Review status: criteria provided, single submitter. Criteria: ACMG Guidelines, 2015. Collection method: clinical testing. Allele origin: unknown.

NM_000069.3(CACNA1S):c.1781G>T (p.Arg594Leu)

Gene: CACNA1S (calcium voltage-gated channel subunit alpha1 S; minus strand). Cytogenetic location: 1q32.1.
Variant type: single nucleotide variant.
Coding change: c.1781G>T on transcript NM_000069.3 (MANE Select); coding-DNA position 1781, G replaced by T.
Protein change: p.Arg594Leu; replaces arginine 594 with leucine.
Molecular consequence: missense variant.
Genome position (GRCh38, 1-based): chr1:201,076,966, C>A on the plus strand (G>T on the coding strand, the complement: CACNA1S is on the minus strand). VCF-style: chr1-201076966-C-A. GRCh37 (hg19) VCF-style: chr1-201046094-C-A.
Other names: short protein forms R594L.
Identifiers: ClinVar variation 1402163 (VCV001402163.8), dbSNP rs762032797, ClinGen allele CA078566.